The following is an entry in ClinVar:

NM_005660.3(SLC35A2):c.469G>A (p.Val157Met)

Gene: SLC35A2 (solute carrier family 35 member A2; minus strand). Cytogenetic location: Xp11.23.
Variant type: single nucleotide variant.
Coding change: c.469G>A on transcript NM_005660.3 (MANE Select); coding-DNA position 469, G replaced by A.
Protein change: p.Val157Met; replaces valine 157 with methionine.
Molecular consequence: missense variant. On other transcripts: intron variant (3).
Genome position (GRCh38, 1-based): chrX:48,905,440, C>T on the plus strand (G>A on the coding strand, the complement: SLC35A2 is on the minus strand). VCF-style: chrX-48905440-C-T. GRCh37 (hg19) VCF-style: chrX-48762717-C-T.
Other names: c.469G>A, p.Val157Met (NM_001042498.3); c.286G>A, p.Val96Met (NM_001282649.2); c.508G>A, p.Val170Met (NM_001282650.2); c.553G>A, p.Val185Met (NM_001282651.2); c.427-548G>A (NM_001282647.2, NM_001032289.3); c.355-548G>A (NM_001282648.2); short protein forms V157M, V170M, V185M, V96M.
Identifiers: ClinVar variation 3774714 (VCV003774714.2).

ClinVar aggregate classification (germline): Uncertain significance. Review status: criteria provided, multiple submitters, no conflicts (2 of 4 stars). 2 submissions from 2 submitters: Uncertain significance (2). Last evaluated 2025-08-05.

Conditions:
Inborn genetic diseases. Identifiers: MedGen C0950123, MeSH D030342.

Submissions (2):

Ambry Genetics
Classification: Uncertain significance for Inborn genetic diseases. Last evaluated: 2025-08-05. Review status: criteria provided, single submitter. Criteria: Ambry Variant Classification Scheme 2023. Collection method: clinical testing. Allele origin: germline.

GeneDx
Classification: Uncertain significance. Last evaluated: 2024-09-25. Review status: criteria provided, single submitter. Criteria: GeneDx Variant Classification Process June 2021. Collection method: clinical testing. Allele origin: germline. Affected: yes.
Comment: In silico analysis supports that this missense variant has a deleterious effect on protein structure/function; Has not been previously published as pathogenic or benign to our knowledge